The following is an entry in ClinVar:

NM_024675.4(PALB2):c.3487A>G (p.Lys1163Glu)

Gene: PALB2 (partner and localizer of BRCA2; minus strand). Cytogenetic location: 16p12.2.
Variant type: single nucleotide variant.
Coding change: c.3487A>G on transcript NM_024675.4 (MANE Select); coding-DNA position 3487, A replaced by G.
Protein change: p.Lys1163Glu; replaces lysine 1163 with glutamic acid.
Molecular consequence: missense variant.
Genome position (GRCh38, 1-based): chr16:23,603,533, T>C on the plus strand (A>G on the coding strand, the complement: PALB2 is on the minus strand). VCF-style: chr16-23603533-T-C. GRCh37 (hg19) VCF-style: chr16-23614854-T-C.
Other names: short protein forms K1163E.
Identifiers: ClinVar variation 823829 (VCV000823829.14), dbSNP rs145369260, ClinGen allele CA279524941.
Genomic context (GRCh38, chr16:23,603,533, plus strand): 5'-ATACAAATATATTTCCATCTTTTTGTCCAGCCAGCAAATGAGAGTCTGTACCCGACCATT[T>C]CACAAAAGACCAATGTTGGTCAGAGACAGGTGGGAGGAGGGCAGTACACTGACCGAGAAG-3'
Protein context (NP_078951.2, residues 1153-1173): PVSDQHWSFV[Lys1163Glu]WSGTDSHLLA

ClinVar aggregate classification (germline): Uncertain significance. Review status: criteria provided, multiple submitters, no conflicts (2 of 4 stars). 2 submissions from 2 submitters: Uncertain significance (2). Last evaluated 2024-11-30.

Conditions:
Familial cancer of breast. Also called: BREAST CANCER, FAMILIAL; Hereditary breast cancer; hereditary breast carcinoma. Identifiers: Orphanet 227535, MedGen C0346153, MONDO:0016419, OMIM 114480. Disease mechanism: loss of function.
Hereditary cancer-predisposing syndrome. Also called: Neoplastic Syndromes, Hereditary; Tumor predisposition; Hereditary neoplastic syndrome; Hereditary Cancer Syndrome. Identifiers: Orphanet 140162, MedGen C0027672, MeSH D009386, MONDO:0015356.

Allele frequency attached by ClinVar (database versions not stated): gnomAD exomes below 0.00001; ESP Exome Variant Server 0.00008.

Submissions (2):

Labcorp Genetics (formerly Invitae), Labcorp
Classification: Uncertain significance for Familial cancer of breast. Last evaluated: 2024-11-30. Review status: criteria provided, single submitter. Criteria: Invitae Variant Classification Sherloc (09022015). Collection method: clinical testing. Allele origin: germline.
Comment: This sequence change replaces lysine, which is basic and polar, with glutamic acid, which is acidic and polar, at codon 1163 of the PALB2 protein (p.Lys1163Glu). This variant is not present in population databases (gnomAD no frequency). This variant has not been reported in the literature in individuals affected with PALB2-related conditions. ClinVar contains an entry for this variant (Variation ID: 823829). An algorithm developed to predict the effect of missense changes on protein structure and function (PolyPhen-2) suggests that this variant is likely to be disruptive. In summary, the available evidence is currently insufficient to determine the role of this variant in disease. Therefore, it has been classified as a Variant of Uncertain Significance.

Ambry Genetics
Classification: Uncertain significance for Hereditary cancer-predisposing syndrome. Last evaluated: 2024-07-11. Review status: criteria provided, single submitter. Criteria: Ambry Variant Classification Scheme 2023. Collection method: clinical testing. Allele origin: germline.
Comment: The p.K1163E variant (also known as c.3487A>G), located in coding exon 13 of the PALB2 gene, results from an A to G substitution at nucleotide position 3487. The lysine at codon 1163 is replaced by glutamic acid, an amino acid with similar properties. This amino acid position is highly conserved in available vertebrate species. In addition, this alteration is predicted to be tolerated by in silico analysis. Since supporting evidence is limited at this time, the clinical significance of this alteration remains unclear.